The following is an entry in ClinVar:

NM_006445.4(PRPF8):c.6272A>G (p.Tyr2091Cys)

Gene: PRPF8 (pre-mRNA processing factor 8; minus strand). Cytogenetic location: 17p13.3.
Variant type: single nucleotide variant.
Coding change: c.6272A>G on transcript NM_006445.4 (MANE Select); coding-DNA position 6272, A replaced by G.
Protein change: p.Tyr2091Cys; replaces tyrosine 2091 with cysteine.
Molecular consequence: missense variant.
Genome position (GRCh38, 1-based): chr17:1,653,639, T>C on the plus strand (A>G on the coding strand, the complement: PRPF8 is on the minus strand). VCF-style: chr17-1653639-T-C. GRCh37 (hg19) VCF-style: chr17-1556933-T-C.
Other names: short protein forms Y2091C.
Identifiers: ClinVar variation 1478888 (VCV001478888.8), dbSNP rs2151111203, ClinGen allele CA397566711.

ClinVar aggregate classification (germline): Uncertain significance (1 of 4 stars; one submission).

Submission:

Labcorp Genetics (formerly Invitae), Labcorp
Classification: Uncertain significance. Last evaluated: 2023-05-08. Review status: criteria provided, single submitter. Criteria: Invitae Variant Classification Sherloc (09022015). Collection method: clinical testing. Allele origin: germline.
Comment: This sequence change replaces tyrosine, which is neutral and polar, with cysteine, which is neutral and slightly polar, at codon 2091 of the PRPF8 protein (p.Tyr2091Cys). In summary, the available evidence is currently insufficient to determine the role of this variant in disease. Therefore, it has been classified as a Variant of Uncertain Significance. Advanced modeling of protein sequence and biophysical properties (such as structural, functional, and spatial information, amino acid conservation, physicochemical variation, residue mobility, and thermodynamic stability) has been performed at Invitae for this missense variant, however the output from this modeling did not meet the statistical confidence thresholds required to predict the impact of this variant on PRPF8 protein function. ClinVar contains an entry for this variant (Variation ID: 1478888). This variant has not been reported in the literature in individuals affected with PRPF8-related conditions. This variant is not present in population databases (gnomAD no frequency).